The following is an entry in ClinVar:

NM_024721.5(ZFHX4):c.6089C>T (p.Thr2030Met)

Gene: ZFHX4 (zinc finger homeobox 4; plus strand). Cytogenetic location: 8q21.13.
Variant type: single nucleotide variant.
Coding change: c.6089C>T on transcript NM_024721.5 (MANE Select); coding-DNA position 6089, C replaced by T.
Protein change: p.Thr2030Met; replaces threonine 2030 with methionine.
Molecular consequence: missense variant.
Genome position (GRCh38, 1-based): chr8:76,853,010, C>T. VCF-style: chr8-76853010-C-T. GRCh37 (hg19) VCF-style: chr8-77765246-C-T.
Other names: c.6011C>T, p.Thr2004Met (NM_001410934.1); short protein forms T2004M, T2030M.
Identifiers: ClinVar variation 3044841 (VCV003044841.2), dbSNP rs371571217, ClinGen allele CA4787772.

ClinVar aggregate classification (germline): Benign (0 of 4 stars; one submission).

Conditions:
ZFHX4-related disorder. Also called: ZFHX4-related condition.

Allele frequency attached by ClinVar (database versions not stated): gnomAD 0.00015; ESP Exome Variant Server 0.00018; gnomAD exomes 0.00019; ExAC 0.00060.
gnomAD v4.1: 320 of 1,523,530 alleles (0.021%); highest among the groups gnomAD compares: Middle Eastern, 0.05%; no homozygotes.

Submission:

PreventionGenetics, part of Exact Sciences
Classification: Benign for ZFHX4-related condition. Last evaluated: 2019-05-24. Review status: no assertion criteria provided. Collection method: clinical testing. Allele origin: germline.
Comment: This variant is classified as benign based on ACMG/AMP sequence variant interpretation guidelines (Richards et al. 2015 PMID: 25741868, with internal and published modifications).